The following is an entry in ClinVar:

ClinVar aggregate classification (germline): Uncertain significance (1 of 4 stars; one submission).

Allele frequency attached by ClinVar (database versions not stated): gnomAD exomes below 0.00001.
gnomAD v4.1: 2 of 1,614,202 alleles (0.00012%); highest among the groups gnomAD compares: Non-Finnish European, 0.000085%; no homozygotes.

Submission:

Labcorp Genetics (formerly Invitae), Labcorp
Classification: Uncertain significance. Last evaluated: 2021-09-01. Review status: criteria provided, single submitter. Criteria: Invitae Variant Classification Sherloc (09022015). Collection method: clinical testing. Allele origin: germline.
Comment: In summary, the available evidence is currently insufficient to determine the role of this variant in disease. Therefore, it has been classified as a Variant of Uncertain Significance. Algorithms developed to predict the effect of missense changes on protein structure and function are either unavailable or do not agree on the potential impact of this missense change (SIFT: "Deleterious"; PolyPhen-2: "Probably Damaging"; Align-GVGD: "Class C0"). This variant has not been reported in the literature in individuals affected with FERMT1-related conditions. This variant is not present in population databases (ExAC no frequency). This sequence change replaces leucine with arginine at codon 14 of the FERMT1 protein (p.Leu14Arg). The leucine residue is highly conserved and there is a moderate physicochemical difference between leucine and arginine.

NM_017671.5(FERMT1):c.41T>G (p.Leu14Arg)

Gene: FERMT1 (FERM domain containing kindlin 1; minus strand). Cytogenetic location: 20p12.3.
Variant type: single nucleotide variant.
Coding change: c.41T>G on transcript NM_017671.5 (MANE Select); coding-DNA position 41, T replaced by G.
Protein change: p.Leu14Arg; replaces leucine 14 with arginine.
Molecular consequence: missense variant.
Genome position (GRCh38, 1-based): chr20:6,119,514, A>C on the plus strand (T>G on the coding strand, the complement: FERMT1 is on the minus strand). VCF-style: chr20-6119514-A-C. GRCh37 (hg19) VCF-style: chr20-6100161-A-C.
Other names: short protein forms L14R.
Identifiers: ClinVar variation 1448620 (VCV001448620.6), dbSNP rs999728597, ClinGen allele CA408195610.